The following is an entry in ClinVar:

ClinVar aggregate classification (germline): Uncertain significance (1 of 4 stars; one submission).

Submission:

GeneDx
Classification: Uncertain significance. Last evaluated: 2022-05-09. Review status: criteria provided, single submitter. Criteria: GeneDx Variant Classification Process June 2021. Collection method: clinical testing. Allele origin: germline. Affected: yes.
Comment: Not observed at significant frequency in large population cohorts (gnomAD); In-frame duplication of 11 amino acids in a non-repeat region; Has not been previously published as pathogenic or benign to our knowledge

NM_000548.5(TSC2):c.3782_3814dup (p.Thr1271_Val1272insAlaLysProProProLeuProArgSerAsnThr)

Gene: TSC2 (TSC complex subunit 2; plus strand). Cytogenetic location: 16p13.3.
Variant type: Duplication.
Coding change: c.3782_3814dup on transcript NM_000548.5 (MANE Select); coding-DNA positions 3782 to 3814, 33 bases duplicated.
Protein change: p.Thr1271_Val1272insAlaLysProProProLeuProArgSerAsnThr.
Molecular consequence: inframe insertion. On other transcripts: inframe indel (32).
Genome position (GRCh38, 1-based): chr16:2,081,766-2,081,798, 33 bases duplicated; duplicating any 33 consecutive bases within chr16:2,081,765-2,081,798 gives the same sequence; the c. name uses the placement nearest the transcript's 3' end. GRCh37 (hg19): chr16:2,131,767-2,131,799.
Other names: c.3650_3682dup, p.Thr1227_Asp1228insAlaLysProProProLeuProArgSerAsnThr (NM_001077183.3); c.3782_3814dup, p.Thr1271_Asp1272insAlaLysProProProLeuProArgSerAsnThr (NM_001114382.3); c.3542_3574dup, p.Thr1191_Asp1192insAlaLysProProProLeuProArgSerAsnThr (NM_001318827.2); c.3506_3538dup, p.Thr1179_Asp1180insAlaLysProProProLeuProArgSerAsnThr (NM_001318829.2); c.3050_3082dup, p.Thr1027_Val1028insAlaLysProProProLeuProArgSerAsnThr (NM_001318831.2); c.3683_3715dup, p.Thr1238_Asp1239insAlaLysProProProLeuProArgSerAsnThr (NM_001318832.2); c.3653_3685dup, p.Thr1228_Asp1229insAlaLysProProProLeuProArgSerAsnThr (NM_001363528.2); c.3650_3682dup, p.Thr1227_Val1228insAlaLysProProProLeuProArgSerAsnThr (NM_001370404.1, NM_001406665.1); and 25 more.
Identifiers: ClinVar variation 1723844 (VCV001723844.2), dbSNP rs2544162102, ClinGen allele CA2580091034.
Genomic context (GRCh38, chr16:2,081,764, plus strand): 5'-CTTCAAGGAGCACCGGGACACAGCCCTGTACAAGTCACTGTCGGTGCCGGCAGCCAGCAC[G>GGCCAAACCCCCTCCTCTGCCTCGCTCCAACACA]GCCAAACCCCCTCCTCTGCCTCGCTCCAACACAGGTGAGTGGCATGGCGGGCCTTGGCAC-3'